The following is an entry in ClinVar:

ClinVar aggregate classification (germline): Uncertain significance (1 of 4 stars; one submission).

Allele frequency attached by ClinVar (database versions not stated): gnomAD exomes 0.00002; gnomAD 0.00003; ExAC 0.00004; TOPMed 0.00004; ESP Exome Variant Server 0.00008.
gnomAD v4.1: 36 of 1,613,994 alleles (0.0022%); highest among the groups gnomAD compares: South Asian, 0.019%; no homozygotes.

Submission:

Labcorp Genetics (formerly Invitae), Labcorp
Classification: Uncertain significance. Last evaluated: 2023-09-20. Review status: criteria provided, single submitter. Criteria: Invitae Variant Classification Sherloc (09022015). Collection method: clinical testing. Allele origin: germline.
Comment: In summary, the available evidence is currently insufficient to determine the role of this variant in disease. Therefore, it has been classified as a Variant of Uncertain Significance. An algorithm developed to predict the effect of missense changes on protein structure and function (PolyPhen-2) suggests that this variant is likely to be tolerated. This variant has not been reported in the literature in individuals affected with ITGA8-related conditions. This variant is present in population databases (rs138187704, gnomAD 0.03%). This sequence change replaces glutamic acid, which is acidic and polar, with lysine, which is basic and polar, at codon 912 of the ITGA8 protein (p.Glu912Lys).

NM_003638.3(ITGA8):c.2734G>A (p.Glu912Lys)

Gene: ITGA8 (integrin subunit alpha 8; minus strand). Cytogenetic location: 10p13.
Variant type: single nucleotide variant.
Coding change: c.2734G>A on transcript NM_003638.3 (MANE Select); coding-DNA position 2734, G replaced by A.
Protein change: p.Glu912Lys; replaces glutamic acid 912 with lysine.
Molecular consequence: missense variant.
Genome position (GRCh38, 1-based): chr10:15,558,106, C>T on the plus strand (G>A on the coding strand, the complement: ITGA8 is on the minus strand). VCF-style: chr10-15558106-C-T. GRCh37 (hg19) VCF-style: chr10-15600105-C-T.
Other names: c.2689G>A, p.Glu897Lys (NM_001291494.2); short protein forms E897K, E912K.
Identifiers: ClinVar variation 2908343 (VCV002908343.3), dbSNP rs138187704, ClinGen allele CA5419750.
Genomic context (GRCh38, chr10:15,558,106, plus strand): 5'-CAGTTCTATGCACACTGGGATAACTCACCAGTATTTTTGCAGGGCTCTGTCTGTGGAATT[C>T]GACCACATGTACATCCCTCTTCCTGACAAGATGAGGAATAGTAGAGTTTCGCAAAAAGGC-3'
Protein context (NP_003629.2, residues 902-922): LVRKRDVHVV[Glu912Lys]FHRQSPAKIL